The following is an entry in ClinVar:

NM_001199267.2(DGKZ):c.1322G>A (p.Arg441Gln)

Gene: DGKZ (diacylglycerol kinase zeta; plus strand). Cytogenetic location: 11p11.2.
Variant type: single nucleotide variant.
Coding change: c.1322G>A on transcript NM_001199267.2 (MANE Select); coding-DNA position 1322, G replaced by A.
Protein change: p.Arg441Gln; replaces arginine 441 with glutamine.
Molecular consequence: missense variant.
Genome position (GRCh38, 1-based): chr11:46,373,100, G>A. VCF-style: chr11-46373100-G-A. GRCh37 (hg19) VCF-style: chr11-46394650-G-A.
Other names: c.1889G>A, p.Arg630Gln (NM_001105540.2); c.1325G>A, p.Arg442Gln (NM_001199266.2, NM_003646.4); c.1256G>A, p.Arg419Gln (NM_001199268.2); c.1373G>A, p.Arg458Gln (NM_201532.3); c.1337G>A, p.Arg446Gln (NM_201533.3); short protein forms R441Q, R458Q, R630Q, R446Q, R419Q, R442Q.
Identifiers: ClinVar variation 1041256 (VCV001041256.10), dbSNP rs776115020, ClinGen allele CA5962793.
Genomic context (GRCh38, chr11:46,373,100, plus strand): 5'-TCCACGCTGAGCCCAACCCCGAGGCAGGGCCTGAGGACCGAGATGAAGGCGCCACCGACC[G>A]GGTAAGTTGGCCAGGGTTGGTGGGGGGCAGGGCAGGTGACTGGGGACTGGATCCCACTTT-3'
Protein context (NP_001186196.1, residues 431-451): PEDRDEGATD[Arg441Gln]LPLDVFNNYF

ClinVar aggregate classification (germline): Uncertain significance (1 of 4 stars; one submission).

Allele frequency attached by ClinVar (database versions not stated): TOPMed 0.00002; ExAC 0.00006.

Submission:

Labcorp Genetics (formerly Invitae), Labcorp
Classification: Uncertain significance. Last evaluated: 2025-05-11. Review status: criteria provided, single submitter. Criteria: Invitae Variant Classification Sherloc (09022015). Collection method: clinical testing. Allele origin: germline.
Comment: This sequence change replaces arginine, which is basic and polar, with glutamine, which is neutral and polar, at codon 630 of the DGKZ protein (p.Arg630Gln). The frequency data for this variant in the population databases is considered unreliable, as metrics indicate poor data quality at this position in the gnomAD database. This variant has not been reported in the literature in individuals affected with DGKZ-related conditions. ClinVar contains an entry for this variant (Variation ID: 1041256). An algorithm developed to predict the effect of missense changes on protein structure and function outputs the following: PolyPhen-2: "Benign". The glutamine amino acid residue is found in multiple mammalian species, which suggests that this missense change does not adversely affect protein function. In summary, the available evidence is currently insufficient to determine the role of this variant in disease. Therefore, it has been classified as a Variant of Uncertain Significance.